The following is an entry in ClinVar:

ClinVar aggregate classification (germline): Uncertain significance (1 of 4 stars; one submission).

Allele frequency attached by ClinVar (database versions not stated): ExAC 0.00001; gnomAD 0.00001; gnomAD exomes 0.00002; 1000 Genomes Project 0.00020.
gnomAD v4.1: 14 of 1,613,914 alleles (0.00087%); highest among the groups gnomAD compares: East Asian, 0.029%; no homozygotes.

Submission:

Labcorp Genetics (formerly Invitae), Labcorp
Classification: Uncertain significance. Last evaluated: 2025-05-04. Review status: criteria provided, single submitter. Criteria: Invitae Variant Classification Sherloc (09022015). Collection method: clinical testing. Allele origin: germline.
Comment: This sequence change replaces threonine, which is neutral and polar, with alanine, which is neutral and non-polar, at codon 696 of the REST protein (p.Thr696Ala). This variant is present in population databases (rs141964506, gnomAD 0.006%). This variant has not been reported in the literature in individuals affected with REST-related conditions. ClinVar contains an entry for this variant (Variation ID: 1902314). An algorithm developed to predict the effect of missense changes on protein structure and function outputs the following: PolyPhen-2: "Benign". The alanine amino acid residue is found in multiple mammalian species, which suggests that this missense change does not adversely affect protein function. In summary, the available evidence is currently insufficient to determine the role of this variant in disease. Therefore, it has been classified as a Variant of Uncertain Significance.

NM_005612.5(REST):c.2086A>G (p.Thr696Ala)

Gene: REST (RE1 silencing transcription factor; plus strand). Cytogenetic location: 4q12.
Variant type: single nucleotide variant.
Coding change: c.2086A>G on transcript NM_005612.5 (MANE Select); coding-DNA position 2086, A replaced by G.
Protein change: p.Thr696Ala; replaces threonine 696 with alanine.
Molecular consequence: missense variant.
Genome position (GRCh38, 1-based): chr4:56,930,944, A>G. VCF-style: chr4-56930944-A-G. GRCh37 (hg19) VCF-style: chr4-57797110-A-G.
Other names: c.2086A>G, p.Thr696Ala (NM_001193508.2, NM_001363453.3); short protein forms T696A.
Identifiers: ClinVar variation 1902314 (VCV001902314.5), dbSNP rs141964506, ClinGen allele CA2932402.
Genomic context (GRCh38, chr4:56,930,944, plus strand): 5'-GTGGGTGCCCAAATTGTACTTGCTCACATGGAGCTGCCTCCTCCCATGGAGACTGCTCAG[A>G]CGGAGGTTGCCCAAATGGGGCCTGCTCCCATGGAACCTGCTCAGATGGAGGTTGCCCAGG-3'
Protein context (NP_005603.3, residues 686-706): ELPPPMETAQ[Thr696Ala]EVAQMGPAPM